The following is an entry in ClinVar:

NM_001100.4(ACTA1):c.3G>C (p.Met1Ile)

Gene: ACTA1 (actin alpha 1, skeletal muscle; minus strand). Cytogenetic location: 1q42.13.
Variant type: single nucleotide variant.
Coding change: c.3G>C on transcript NM_001100.4 (MANE Select); coding-DNA position 3, G replaced by C.
Protein change: p.Met1Ile; changes the start codon (methionine 1).
Molecular consequence: missense variant, initiator codon variant.
Genome position (GRCh38, 1-based): chr1:229,433,113, C>G on the plus strand (G>C on the coding strand, the complement: ACTA1 is on the minus strand). VCF-style: chr1-229433113-C-G. GRCh37 (hg19) VCF-style: chr1-229568860-C-G.
Other names: short protein forms M1I.
Identifiers: ClinVar variation 3341326 (VCV003341326.1).

ClinVar aggregate classification (germline): Uncertain significance (1 of 4 stars; one submission).

Conditions:
Congenital myopathy 2b, severe infantile, autosomal recessive (CMYO2B). Identifiers: MedGen C5830300, MONDO:0859517, OMIM 620265.

Submission:

Neuberg Centre For Genomic Medicine, NCGM
Classification: Uncertain significance for Congenital myopathy 2b, severe infantile, autosomal recessive. Last evaluated: 2023-05-20. Review status: criteria provided, single submitter. Criteria: ACMG Guidelines, 2015. Collection method: clinical testing. Allele origin: germline. Inheritance: Autosomal recessive inheritance. Affected: yes.
Comment: The observed start lost c.3G>C(p.Met1?) variant in ACTA1 gene has not been reported previously as a pathogenic variant nor as a benign variant, to our knowledge. This variant is absent in gnomAD Exomes. The p.Met1? variant is predicted to disrupt the initiation codon, and thus potentially may interfere with protein expression. However, no details are available for independent assessment. Computational evidence (MutationTaster - Disease causing) predicts damaging effect on protein structure and function for this variant. For these reasons, this variant has been classified as Uncertain Significance.